The following is an entry in ClinVar:

ClinVar aggregate classification (germline): Pathogenic. Review status: criteria provided, multiple submitters, no conflicts (2 of 4 stars). 4 submissions from 4 submitters: Pathogenic (4). Last evaluated 2025-04-14.

Conditions:
PKD1-related disorder. Also called: PKD1-related condition.
Polycystic kidney disease, adult type (PKD1). Also called: Polycystic Kidney Disease 1, Autosomal Dominant; Polycystic kidney disease 1; Polycystic kidney disease 1, severe; POLYCYSTIC KIDNEY DISEASE 1 WITH OR WITHOUT POLYCYSTIC LIVER DISEASE; POLYCYSTIC KIDNEY DISEASE, ADULT, TYPE I; Polycystic Kidney, Autosomal Dominant. Identifiers: MedGen C3149841, MONDO:0008263, OMIM 173900.
Renal cyst. Also called: cystic kidneys; Cystic kidney disease; Renal cysts. Identifiers: MedGen C3887499, MONDO:0002473, HP:0000107.

Submissions (4):

Women's Health and Genetics/Laboratory Corporation of America, LabCorp
Classification: Pathogenic for Polycystic kidney disease, adult type. Last evaluated: 2025-04-14. Review status: criteria provided, single submitter. Criteria: LabCorp Variant Classification Summary - May 2015. Collection method: clinical testing. Allele origin: germline.
Comment: Variant summary: PKD1 c.10745delC (p.Pro3582ArgfsX3) results in a premature termination codon, predicted to cause a truncation of the encoded protein or absence of the protein due to nonsense mediated decay, which are commonly known mechanisms for disease. The variant was absent in 195468 control chromosomes. c.10745delC has been observed in individual(s) affected with Polycystic Kidney Disease 1(example: Rossetti_2007). The following publication has been ascertained in the context of this evaluation (PMID: 17582161). ClinVar contains an entry for this variant (Variation ID: 3376941). Based on the evidence outlined above, the variant was classified as pathogenic.

Victorian Clinical Genetics Services, Murdoch Childrens Research Institute
Classification: Pathogenic for Polycystic kidney disease, adult type. Last evaluated: 2024-10-11. Review status: criteria provided, single submitter. Criteria: ACMG Guidelines, 2015. Collection method: clinical testing. Allele origin: germline. Inheritance: Autosomal dominant inheritance. Affected: yes.
Comment: Based on the classification scheme VCGS_Germline_v1.3.5, this variant is classified as Pathogenic. Following criteria are met: 0102 - Loss of function is a known mechanism of disease in this gene and is associated with polycystic kidney disease 1 (MIM#173900). (I) 0107 - This gene is associated with autosomal dominant disease. Polycystic kidney disease 1 (MIM#173900) is predominantly caused by monoallelic variants, with rare reports of biallelic variants causing disease (OMIM). (I) 0201 - Variant is predicted to cause nonsense-mediated decay (NMD) and loss of protein (premature termination codon is located at least 54 nucleotides upstream of the final exon-exon junction). (SP) 0251 - This variant is heterozygous. (I) 0302 - Variant is present in gnomAD (v4) <0.001 for a dominant condition (7 heterozygotes, 0 homozygotes). (SP) 0701 - Other NMD-predicted variants comparable to the one identified in this case have very strong previous evidence for pathogenicity (DECIPHER). (SP) 0803 - This variant has limited previous evidence of pathogenicity in unrelated individuals. This variant has been observed in at least two unrelated individuals with ADPKD (PMIDs: 17582161, 27165007). (SP) 1208 - Inheritance information for this variant is not currently available in this individual. (I) Legend: (SP) - Supporting pathogenic, (I) - Information, (SB) - Supporting benign

Blueprint Genetics
Classification: Pathogenic for PKD1-related disorders. Last evaluated: 2023-09-13. Review status: criteria provided, single submitter. Criteria: ACMG Guidelines, 2015. Collection method: clinical testing. Allele origin: germline. Affected: yes. Observed: 2 variant alleles.

Cambridge Genomics Laboratory, East Genomic Laboratory Hub, NHS Genomic Medicine Service
Classification: Pathogenic for Renal cyst. Last evaluated: 2019-12-04. Review status: criteria provided, single submitter. Criteria: ACGS Best Practice Guidelines for Variant Classification in Rare Disease 2020. Collection method: clinical testing. Allele origin: germline. Affected: yes. Observed: 1 variant allele.

Literature cited by the submitters: PubMed 17582161 (cited by Women's Health and Genetics/Laboratory Corporation of America, LabCorp and Victorian Clinical Genetics Services, Murdoch Childrens Research Institute); PubMed 27165007 (cited by Victorian Clinical Genetics Services, Murdoch Childrens Research Institute).

NM_001009944.3(PKD1):c.10745del (p.Pro3582fs)

Genes: PKD1 (polycystin 1, transient receptor potential channel interacting; minus strand), PKD1-AS1 (PKD1 antisense RNA 1; plus strand). Cytogenetic location: 16p13.3.
Variant type: Deletion.
Coding change: c.10745del on transcript NM_001009944.3 (MANE Select); coding-DNA position 10745, one base deleted (C; older notation c.10745delC).
Protein change: p.Pro3582fs; shifts the reading frame from proline 3582.
Molecular consequence: frameshift variant.
Genome position (GRCh38, 1-based): chr16:2,093,887, G deleted on the plus strand (C on the coding strand, the reverse complement: PKD1 is on the minus strand); the first of 6 consecutive G bases (chr16:2,093,887-2,093,892); deleting any one gives the same sequence. VCF-style (leftmost placement, unchanged base first): chr16-2093886-CG-C. GRCh37 (hg19) VCF-style: chr16-2143887-CG-C.
Other names: c.10742del, p.Pro3581fs (NM_000296.4); c.10745delC (NM_001009944.2, NM_001009944.3); short protein forms P3581fs, P3582fs.
Identifiers: ClinVar variation 3376941 (VCV003376941.5).